The following is an entry in ClinVar:

NM_000497.4(CYP11B1):c.*1076C>T

Gene: CYP11B1 (cytochrome P450 family 11 subfamily B member 1; minus strand). Cytogenetic location: 8q24.3.
Variant type: single nucleotide variant.
Coding change: c.*1076C>T on transcript NM_000497.4 (MANE Select); 1076 bases downstream of the stop codon, C replaced by T.
Molecular consequence: 3 prime UTR variant.
Genome position (GRCh38, 1-based): chr8:142,873,297, G>A on the plus strand (C>T on the coding strand, the complement: CYP11B1 is on the minus strand). VCF-style: chr8-142873297-G-A. GRCh37 (hg19) VCF-style: chr8-143954713-G-A.
Other names: c.*1076C>T (NM_001026213.1).
Identifiers: ClinVar variation 362120 (VCV000362120.5), dbSNP rs61752806, ClinGen allele CA10624932.
Genomic context (GRCh38, chr8:142,873,297, plus strand): 5'-ATCCTCATCAGCCACCAGGAGCTGGCTGCTGTGATCTTTGCCCTGATGAAAATCCATGGA[G>A]ATAAAGACAGTCTGGCTGGGTACACTCTCAAACTGGGTGCTTCCTCTCCCTGCACGGGAG-3'

ClinVar aggregate classification (germline): Benign/Likely benign. Review status: criteria provided, single submitter (1 of 4 stars). 2 submissions from 1 submitter: Benign (1); Likely benign (1). Last evaluated 2018-01-12.

Conditions:
Deficiency of steroid 11-beta-monooxygenase (CYP11B1). Also called: ADRENAL HYPERPLASIA, CONGENITAL, DUE TO STEROID 11-BETA-HYDROXYLASE DEFICIENCY; 11-BETA-HYDROXYLASE DEFICIENCY; ADRENAL HYPERPLASIA IV; P450C11B1 DEFICIENCY; STEROID 11-BETA-HYDROXYLASE DEFICIENCY; Congenital adrenal hyperplasia due to 11-beta-hydroxylase deficiency. Identifiers: Orphanet 90795, MedGen C0268292, MONDO:0008729, OMIM 202010. Disease mechanism: loss of function.
Glucocorticoid-remediable aldosteronism. Also called: Hyperaldosteronism, familial, type I; ACTH-DEPENDENT HYPERALDOSTERONISM SYNDROME; ALDOSTERONISM, SENSITIVE TO DEXAMETHASONE; FH I; GLUCOCORTICOID-SUPPRESSIBLE HYPERALDOSTERONISM. Identifiers: Orphanet 403, MedGen C3838731, MONDO:0007080, OMIM 103900.

Allele frequency attached by ClinVar (database versions not stated): gnomAD 0.01130 and 0.01209; TOPMed 0.01289; 1000 Genomes Project 0.01338; 1000 Genomes Project 30x 0.01421.

Submissions (2):

Illumina Laboratory Services, Illumina
Classification: Benign for Glucocorticoid-remediable aldosteronism. Last evaluated: 2018-01-12. Review status: criteria provided, single submitter. Criteria: ICSL Variant Classification Criteria 13 December 2019. Collection method: clinical testing. Allele origin: germline.
Comment: This variant was observed in the ICSL laboratory as part of a predisposition screen in an ostensibly healthy population. It had not been previously curated by ICSL or reported in the Human Gene Mutation Database (HGMD: prior to June 1st, 2018), and was therefore a candidate for classification through an automated scoring system. Utilizing variant allele frequency, disease prevalence and penetrance estimates, and inheritance mode, an automated score was calculated to assess if this variant is too frequent to cause the disease. Based on the score and internal cut-off values, a variant classified as benign is not then subjected to further curation. The score for this variant resulted in a classification of benign for this disease.

Illumina Laboratory Services, Illumina
Classification: Likely benign for Deficiency of steroid 11-beta-monooxygenase. Last evaluated: 2018-01-12. Review status: criteria provided, single submitter. Criteria: ICSL Variant Classification Criteria 13 December 2019. Collection method: clinical testing. Allele origin: germline.
Comment: This variant was observed in the ICSL laboratory as part of a predisposition screen in an ostensibly healthy population. It had not been previously curated by ICSL or reported in the Human Gene Mutation Database (HGMD: prior to June 1st, 2018), and was therefore a candidate for classification through an automated scoring system. Utilizing variant allele frequency, disease prevalence and penetrance estimates, and inheritance mode, an automated score was calculated to assess if this variant is too frequent to cause the disease. Based on the score and internal cut-off values, a variant classified as likely benign is not then subjected to further curation. The score for this variant resulted in a classification of likely benign for this disease.